The following is an entry in ClinVar:

NM_000091.5(COL4A3):c.4996A>G (p.Met1666Val)

Genes: MFF-DT (MFF divergent transcript; minus strand), COL4A3 (collagen type IV alpha 3 chain; plus strand). Cytogenetic location: 2q36.3.
Variant type: single nucleotide variant.
Coding change: c.4996A>G on transcript NM_000091.5 (MANE Select); coding-DNA position 4996, A replaced by G.
Protein change: p.Met1666Val; replaces methionine 1666 with valine.
Molecular consequence: missense variant.
Genome position (GRCh38, 1-based): chr2:227,311,853, A>G. VCF-style: chr2-227311853-A-G. GRCh37 (hg19) VCF-style: chr2-228176569-A-G.
Other names: c.4996A>G (NM_000091.4); short protein forms M1666V.
Identifiers: ClinVar variation 974509 (VCV000974509.8), dbSNP rs759583948, ClinGen allele CA2147704.

ClinVar aggregate classification (germline): Conflicting classifications of pathogenicity. Review status: criteria provided, conflicting classifications (1 of 4 stars). 5 submissions from 5 submitters: Likely pathogenic (1); Uncertain significance (3). 1 of the submissions does not count toward it. Last evaluated 2026-08-23.

Conditions:
Alport syndrome. Also called: Hemorrhagic familial nephritis; Hemorrhagic hereditary nephritis; Congenital hereditary hematuria. Identifiers: Orphanet 63, MedGen C1567741, MONDO:0018965.
Autosomal dominant Alport syndrome (ATS3A). Also called: ALPORT SYNDROME 3A, AUTOSOMAL DOMINANT; Alport syndrome dominant type; Renal failure and sensorineural hearing loss. Identifiers: Orphanet 63, Orphanet 88918, MedGen C5882663, MONDO:0007086, OMIM 104200.
COL4A3-related disorder. Also called: COL4A3-Related Disorders; COL4A3-related condition.

Allele frequency attached by ClinVar (database versions not stated): gnomAD 0.00001; TOPMed 0.00002.

Submissions (5):

PreventionGenetics, part of Exact Sciences
Classification: Uncertain significance for COL4A3-related condition. Last evaluated: 2026-08-23. Review status: criteria provided, single submitter. Criteria: ACMG Guidelines, 2015. Collection method: clinical testing. Allele origin: germline.
Comment: The COL4A3 c.4996A>G variant is predicted to result in the amino acid substitution p.Met1666Val. This variant was reported in an individual with Alport syndrome who had also pathogenic variant in PAX2 gene (Table S2, Domingo-Gallego et al. 2022. PubMed ID: 33532864). This variant was also reported in an individual with glomerular disease (Supplement, Blasco et al. 2024. PubMed ID: 38972501). This variant is reported in 0.0087% of alleles in individuals of Latino descent in gnomAD. At this time, the clinical significance of this variant is uncertain due to the absence of conclusive functional and genetic evidence.

GeneDx
Classification: Uncertain significance. Last evaluated: 2024-03-15. Review status: criteria provided, single submitter. Criteria: GeneDx Variant Classification Process June 2021. Collection method: clinical testing. Allele origin: germline. Affected: yes.
Comment: In silico analysis supports that this missense variant does not alter protein structure/function; This variant is associated with the following publications: (PMID: 33532864)

Labcorp Genetics (formerly Invitae), Labcorp
Classification: Uncertain significance. Last evaluated: 2021-08-13. Review status: criteria provided, single submitter. Criteria: Invitae Variant Classification Sherloc (09022015). Collection method: clinical testing. Allele origin: germline.
Comment: This sequence change replaces methionine with valine at codon 1666 of the COL4A3 protein (p.Met1666Val). The methionine residue is moderately conserved and there is a small physicochemical difference between methionine and valine. This variant is present in population databases (rs759583948, ExAC 0.02%). This missense change has been observed in individual(s) with COL4A3-related conditions (PMID: 33532864). ClinVar contains an entry for this variant (Variation ID: 974509). Algorithms developed to predict the effect of missense changes on protein structure and function are either unavailable or do not agree on the potential impact of this missense change (SIFT: "Tolerated"; PolyPhen-2: "Not Available"; Align-GVGD: "Class C0"). In summary, the available evidence is currently insufficient to determine the role of this variant in disease. Therefore, it has been classified as a Variant of Uncertain Significance.

Molecular Biology Laboratory, Fundació Puigvert
Classification: Likely pathogenic for Autosomal dominant Alport syndrome. Last evaluated: 2020-02-01. Review status: criteria provided, single submitter. Criteria: ACMG Guidelines, 2015. Collection method: research. Allele origin: germline. Affected: yes. Study: KidneyPanel_2020.

Natera, Inc.
Classification: Uncertain significance for Alport syndrome. Last evaluated: 2021-03-02. Review status: no assertion criteria provided. Collection method: clinical testing. Allele origin: germline. Not counted in ClinVar's aggregate classification.

Literature cited by the submitters: PubMed 33532864 (cited by Labcorp Genetics (formerly Invitae), Labcorp and Molecular Biology Laboratory, Fundació Puigvert).